The following is an entry in ClinVar:

ClinVar aggregate classification (germline): Uncertain significance. Review status: criteria provided, multiple submitters, no conflicts (2 of 4 stars). 2 submissions from 2 submitters: Uncertain significance (2). Last evaluated 2024-08-01.

Conditions:
Inborn genetic diseases. Identifiers: MedGen C0950123, MeSH D030342.

Allele frequency attached by ClinVar (database versions not stated): gnomAD 0.00001; gnomAD exomes 0.00001; TOPMed 0.00001.
gnomAD v4.1: 5 of 1,614,140 alleles (0.00031%); highest among the groups gnomAD compares: Non-Finnish European, 0.00042%; no homozygotes.

Submissions (2):

Ambry Genetics
Classification: Uncertain significance for Inborn genetic diseases. Last evaluated: 2024-08-01. Review status: criteria provided, single submitter. Criteria: Ambry Variant Classification Scheme 2023. Collection method: clinical testing. Allele origin: germline.

Laboratory for Molecular Medicine, Mass General Brigham Personalized Medicine
Classification: Uncertain significance. Last evaluated: 2015-11-24. Review status: criteria provided, single submitter. Criteria: LMM Criteria. Collection method: clinical testing. Allele origin: germline. Observed: 1 variant allele.
Comment: The p.Ala59Glu variant in LHFPL5 has not been previously reported in individuals with hearing loss or in large population studies. Computational prediction tool s and conservation analyses suggest that the p.Ala59Glu variant may impact the p rotein, though this information is not predictive enough to determine pathogenic ity. In summary, the clinical significance of the p.Ala59Glu variant is uncertai n.

NM_182548.4(LHFPL5):c.176C>A (p.Ala59Glu)

Gene: LHFPL5 (LHFPL tetraspan subfamily member 5; plus strand). Cytogenetic location: 6p21.31.
Variant type: single nucleotide variant.
Coding change: c.176C>A on transcript NM_182548.4 (MANE Select); coding-DNA position 176, C replaced by A.
Protein change: p.Ala59Glu; replaces alanine 59 with glutamic acid.
Molecular consequence: missense variant.
Genome position (GRCh38, 1-based): chr6:35,805,846, C>A. VCF-style: chr6-35805846-C-A. GRCh37 (hg19) VCF-style: chr6-35773623-C-A.
Other names: short protein forms A59E.
Identifiers: ClinVar variation 228799 (VCV000228799.6), dbSNP rs876657848, ClinGen allele CA10576691.